The following is an entry in ClinVar:

NM_015272.5(RPGRIP1L):c.2894G>A (p.Arg965Lys)

Gene: RPGRIP1L (RPGRIP1 like; minus strand). Cytogenetic location: 16q12.2.
Variant type: single nucleotide variant.
Coding change: c.2894G>A on transcript NM_015272.5 (MANE Select); coding-DNA position 2894, G replaced by A.
Protein change: p.Arg965Lys; replaces arginine 965 with lysine.
Molecular consequence: missense variant.
Genome position (GRCh38, 1-based): chr16:53,641,097, C>T on the plus strand (G>A on the coding strand, the complement: RPGRIP1L is on the minus strand). VCF-style: chr16-53641097-C-T. GRCh37 (hg19) VCF-style: chr16-53675009-C-T.
Other names: c.2894G>A, p.Arg965Lys (NM_001127897.4, NM_001308334.3, NM_001330538.2); short protein forms R965K.
Identifiers: ClinVar variation 4995349 (VCV004995349.1).

ClinVar aggregate classification (germline): Uncertain significance (1 of 4 stars; one submission).

Conditions:
RPGRIP1L-related disorder. Also called: RPGRIP1L-related condition; RPGRIP1L-related disorders. Identifiers: MedGen CN239416.

gnomAD v4.1: 2 of 1,613,648 alleles (0.00012%); highest among the groups gnomAD compares: African/African-American, 0.0027%; no homozygotes.

Submission:

PreventionGenetics, part of Exact Sciences
Classification: Uncertain significance for RPGRIP1L-related condition. Last evaluated: 2026-08-31. Review status: criteria provided, single submitter. Criteria: ACMG Guidelines, 2015. Collection method: clinical testing. Allele origin: germline.
Comment: The RPGRIP1L c.2894G>A variant is predicted to result in the amino acid substitution p.Arg965Lys. To our knowledge, this variant has not been reported in the literature. This variant is reported in 0.0062% of alleles in individuals of African descent in gnomAD. At this time, the clinical significance of this variant is uncertain due to the absence of conclusive functional and genetic evidence.